The following is an entry in ClinVar:

NC_000005.9:g.(?_151304045)_(151304110_?)dup

Gene: GLRA1 (glycine receptor alpha 1; minus strand). Cytogenetic location: 5q33.1.
Variant type: Duplication.
Identifiers: ClinVar variation 1372333 (VCV001372333.5).

ClinVar aggregate classification (germline): Uncertain significance (1 of 4 stars; one submission).

Conditions:
Hereditary hyperekplexia. Identifiers: Orphanet 3197, MedGen C4084968, MONDO:0021022.

Submission:

Labcorp Genetics (formerly Invitae), Labcorp
Classification: Uncertain significance for Hereditary hyperekplexia. Last evaluated: 2022-02-02. Review status: criteria provided, single submitter. Criteria: Invitae Variant Classification Sherloc (09022015). Collection method: clinical testing. Allele origin: germline.
Comment: In summary, the available evidence is currently insufficient to determine the role of this variant in disease. Therefore, it has been classified as a Variant of Uncertain Significance. This variant has not been reported in the literature in individuals affected with GLRA1-related conditions. This variant results in a copy number gain of the genomic region encompassing exon(s) 1 of the GLRA1 gene. This region includes the initiator codon of the gene. This copy number gain extends beyond the assayed region for this gene and therefore may encompass additional genes. As the precise location of this event is unknown, it may be in tandem or it may be located elsewhere in the genome.